The following is an entry in ClinVar:

NM_002225.5(IVD):c.59C>T (p.Pro20Leu)

Gene: IVD (isovaleryl-CoA dehydrogenase; plus strand). Cytogenetic location: 15q15.1.
Variant type: single nucleotide variant.
Coding change: c.59C>T on transcript NM_002225.5 (MANE Select); coding-DNA position 59, C replaced by T.
Protein change: p.Pro20Leu; replaces proline 20 with leucine.
Molecular consequence: missense variant. On other transcripts: 5 prime UTR variant (1), non-coding transcript variant (1).
Genome position (GRCh38, 1-based): chr15:40,405,886, C>T. VCF-style: chr15-40405886-C-T. GRCh37 (hg19) VCF-style: chr15-40698087-C-T.
Other names: c.59C>T, p.Pro20Leu (NM_001159508.3, NM_001354598.3, NM_001354599.3 and 2 more transcripts); c.-369C>T (NM_001354597.3); short protein forms P20L.
Identifiers: ClinVar variation 1918571 (VCV001918571.2), dbSNP rs764633468, ClinGen allele CA7480477.

ClinVar aggregate classification (germline): Uncertain significance (1 of 4 stars; one submission).

Conditions:
Isovaleryl-CoA dehydrogenase deficiency (IVA). Also called: Isovaleric acidemia; Classic Isovaleric Acidemia; ISOVALERIC ACID CoA DEHYDROGENASE DEFICIENCY; IVD DEFICIENCY. Identifiers: Orphanet 33, MedGen C0268575, MONDO:0009475, OMIM 243500.

Allele frequency attached by ClinVar (database versions not stated): gnomAD exomes below 0.00001; ExAC 0.00001.
gnomAD v4.1: 4 of 1,613,288 alleles (0.00025%); highest among the groups gnomAD compares: Non-Finnish European, 0.00034%; no homozygotes.

Submission:

Labcorp Genetics (formerly Invitae), Labcorp
Classification: Uncertain significance for Isovaleryl-CoA dehydrogenase deficiency. Last evaluated: 2022-10-13. Review status: criteria provided, single submitter. Criteria: Invitae Variant Classification Sherloc (09022015). Collection method: clinical testing. Allele origin: germline.
Comment: This sequence change replaces proline, which is neutral and non-polar, with leucine, which is neutral and non-polar, at codon 23 of the IVD protein (p.Pro23Leu). This variant is present in population databases (rs764633468, gnomAD 0.0009%). This variant has not been reported in the literature in individuals affected with IVD-related conditions. Algorithms developed to predict the effect of missense changes on protein structure and function (SIFT, PolyPhen-2, Align-GVGD) all suggest that this variant is likely to be tolerated. In summary, the available evidence is currently insufficient to determine the role of this variant in disease. Therefore, it has been classified as a Variant of Uncertain Significance.